The following is an entry in ClinVar:

ClinVar aggregate classification (germline): Uncertain significance. Review status: criteria provided, multiple submitters, no conflicts (2 of 4 stars). 4 submissions from 4 submitters: Uncertain significance (3). 1 of the submissions does not count toward it. Last evaluated 2025-08-15.

Conditions:
Basal cell carcinoma, susceptibility to, 1. Also called: BCC1. Identifiers: MedGen C2751544, MONDO:0011556, OMIM 605462.
PTCH1-related disorder. Also called: PTCH1-related disorders; PTCH1-related condition.
Hereditary cancer-predisposing syndrome. Also called: Neoplastic Syndromes, Hereditary; Hereditary Cancer Syndrome; Tumor predisposition; Hereditary neoplastic syndrome. Identifiers: Orphanet 140162, MedGen C0027672, MeSH D009386, MONDO:0015356.
Gorlin syndrome. Also called: Basal cell nevus syndrome; Nevoid Basal Cell Carcinoma Syndrome. Identifiers: Orphanet 377, MedGen C0004779, MONDO:0007187.

Submissions (4):

Ambry Genetics
Classification: Uncertain significance for Hereditary cancer-predisposing syndrome. Last evaluated: 2025-08-15. Review status: criteria provided, single submitter. Criteria: Ambry Variant Classification Scheme 2023. Collection method: clinical testing. Allele origin: germline.
Comment: The p.N168D variant (also known as c.502A>G), located in coding exon 3 of the PTCH1 gene, results from an A to G substitution at nucleotide position 502. The asparagine at codon 168 is replaced by aspartic acid, an amino acid with highly similar properties. This amino acid position is well conserved in available vertebrate species. In addition, this alteration is predicted to be tolerated by in silico analysis. Since supporting evidence is limited at this time, the clinical significance of this alteration remains unclear.

Baylor Genetics
Classification: Uncertain significance for Basal cell carcinoma, susceptibility to, 1. Last evaluated: 2024-02-27. Review status: criteria provided, single submitter. Criteria: ACMG Guidelines, 2015. Collection method: clinical testing. Allele origin: unknown.

Labcorp Genetics (formerly Invitae), Labcorp
Classification: Uncertain significance for Gorlin syndrome. Last evaluated: 2021-03-17. Review status: criteria provided, single submitter. Criteria: Invitae Variant Classification Sherloc (09022015). Collection method: clinical testing. Allele origin: germline.
Comment: This variant has not been reported in the literature in individuals with PTCH1-related conditions. This variant is not present in population databases (ExAC no frequency). This sequence change replaces asparagine with aspartic acid at codon 168 of the PTCH1 protein (p.Asn168Asp). The asparagine residue is moderately conserved and there is a small physicochemical difference between asparagine and aspartic acid. Advanced modeling of protein sequence and biophysical properties (such as structural, functional, and spatial information, amino acid conservation, physicochemical variation, residue mobility, and thermodynamic stability) performed at Invitae indicates that this missense variant is not expected to disrupt PTCH1 protein function. In summary, the available evidence is currently insufficient to determine the role of this variant in disease. Therefore, it has been classified as a Variant of Uncertain Significance.

PreventionGenetics, part of Exact Sciences
Classification: Uncertain significance for PTCH1-related condition. Last evaluated: 2024-01-29. Review status: no assertion criteria provided. Collection method: clinical testing. Allele origin: germline. Not counted in ClinVar's aggregate classification.
Comment: The PTCH1 c.502A>G variant is predicted to result in the amino acid substitution p.Asn168Asp. To our knowledge, this variant has not been reported in the literature or in a large population database, indicating this variant is rare. This variant is interpreted as uncertain in ClinVar. At this time, the clinical significance of this variant is uncertain due to the absence of conclusive functional and genetic evidence.

NM_000264.5(PTCH1):c.502A>G (p.Asn168Asp)

Gene: PTCH1 (patched 1; minus strand). Cytogenetic location: 9q22.32.
Variant type: single nucleotide variant.
Coding change: c.502A>G on transcript NM_000264.5 (MANE Select); coding-DNA position 502, A replaced by G.
Protein change: p.Asn168Asp; replaces asparagine 168 with aspartic acid.
Molecular consequence: missense variant. On other transcripts: non-coding transcript variant (1).
Genome position (GRCh38, 1-based): chr9:95,485,767, T>C on the plus strand (A>G on the coding strand, the complement: PTCH1 is on the minus strand). VCF-style: chr9-95485767-T-C. GRCh37 (hg19) VCF-style: chr9-98248049-T-C.
Other names: c.304A>G, p.Asn102Asp (NM_001083602.3, NM_001354919.2); c.499A>G, p.Asn167Asp (NM_001083603.3); c.49A>G, p.Asn17Asp (NM_001083604.3, NM_001083605.3, NM_001083606.3 and 1 more transcripts); c.502A>G, p.Asn168Asp (NM_001354918.2); short protein forms N167D, N102D, N17D, N168D.
Identifiers: ClinVar variation 1439837 (VCV001439837.15), dbSNP rs2118543274, ClinGen allele CA374116920.